The following is an entry in ClinVar:

ClinVar aggregate classification (germline): Conflicting classifications of pathogenicity. Review status: criteria provided, conflicting classifications (1 of 4 stars). 6 submissions from 6 submitters: Uncertain significance (5); Benign (1). Last evaluated 2025-12-23.

Conditions:
Perlman syndrome (PRLMNS). Identifiers: Orphanet 2849, MedGen C0796113, MONDO:0009965, OMIM 267000.

Allele frequency attached by ClinVar (database versions not stated): gnomAD 0.00013; ExAC 0.00094.

Submissions (6):

Labcorp Genetics (formerly Invitae), Labcorp
Classification: Benign for Perlman syndrome. Last evaluated: 2025-12-23. Review status: criteria provided, single submitter. Criteria: Invitae Variant Classification Sherloc (09022015). Collection method: clinical testing. Allele origin: germline.

St. Jude Molecular Pathology, St. Jude Children's Research Hospital
Classification: Uncertain significance for Perlman syndrome. Last evaluated: 2024-05-07. Review status: criteria provided, single submitter. Criteria: St. Jude Assertion Criteria 2020. Collection method: clinical testing. Allele origin: germline.
Comment: The DIS3L2 c.2329A>G (p.Ile777Val) missense change has a maximum subpopulation frequency of 0.038% in gnomAD v2.1.1. The in silico tool REVEL predicts a benign effect on protein function and no splicing effects are predicted, but to our knowledge these predictions have not been confirmed by functional studies. To our knowledge, this variant has not been reported in individuals with Perlman syndrome. In summary, the evidence currently available is insufficient to determine the clinical significance of this variant. It has therefore been classified as of uncertain significance

Fulgent Genetics
Classification: Uncertain significance for Perlman syndrome. Last evaluated: 2022-02-18. Review status: criteria provided, single submitter. Criteria: ACMG Guidelines, 2015. Collection method: clinical testing. Allele origin: unknown.

Sema4
Classification: Uncertain significance for Perlman syndrome. Last evaluated: 2021-09-23. Review status: criteria provided, single submitter. Criteria: Sema4 Curation Guidelines. Collection method: curation. Allele origin: germline.
Comment: To the best of our knowledge, the DIS3L2 c.2329A>G (p.I777V) variant has not been reported in individuals with DIS3L2-related disease. It was observed in 52/265740 chromosomes, with no homozygotes, across all populations in the large and broad cohorts of the Genome Aggregation Database (PMID: 32461654). The variant has been reported in ClinVar (Variation ID: 241974). In silico tools suggest the impact of the variant on protein function is benign, though these predictions have not been confirmed by functional studies. The evidence is insufficient to meet ACMG/AMP criteria for classifying the variant as benign or pathogenic. Thus, the clinical significance of this variant is currently uncertain.

Illumina Laboratory Services, Illumina
Classification: Uncertain significance for Perlman syndrome. Last evaluated: 2018-01-12. Review status: criteria provided, single submitter. Criteria: ICSL Variant Classification Criteria 13 December 2019. Collection method: clinical testing. Allele origin: germline.

Breakthrough Genomics
Classification: Uncertain significance. Review status: criteria provided, single submitter. Criteria: ACMG Guidelines, 2015. Collection method: not provided. Allele origin: germline. Inheritance: Autosomal recessive inheritance. Affected: yes.

NM_152383.5(DIS3L2):c.2329A>G (p.Ile777Val)

Gene: DIS3L2 (DIS3 like 3'-5' exoribonuclease 2; plus strand). Cytogenetic location: 2q37.1.
Variant type: single nucleotide variant.
Coding change: c.2329A>G on transcript NM_152383.5 (MANE Select); coding-DNA position 2329, A replaced by G.
Protein change: p.Ile777Val; replaces isoleucine 777 with valine.
Molecular consequence: missense variant. On other transcripts: non-coding transcript variant (2), intron variant (1).
Genome position (GRCh38, 1-based): chr2:232,334,670, A>G. VCF-style: chr2-232334670-A-G. GRCh37 (hg19) VCF-style: chr2-233199380-A-G.
Other names: c.1582-8675A>G (NM_001257281.2); short protein forms I777V.
Identifiers: ClinVar variation 241974 (VCV000241974.16), dbSNP rs2697798, ClinGen allele CA2164501.